The following is an entry in ClinVar:

ClinVar aggregate classification (germline): Uncertain significance (1 of 4 stars; one submission).

Submission:

Labcorp Genetics (formerly Invitae), Labcorp
Classification: Uncertain significance. Last evaluated: 2023-08-30. Review status: criteria provided, single submitter. Criteria: Invitae Variant Classification Sherloc (09022015). Collection method: clinical testing. Allele origin: germline.
Comment: Algorithms developed to predict the effect of missense changes on protein structure and function output the following: SIFT: "Not Available"; PolyPhen-2: "Possibly Damaging"; Align-GVGD: "Not Available". The proline amino acid residue is found in multiple mammalian species, which suggests that this missense change does not adversely affect protein function. In summary, the available evidence is currently insufficient to determine the role of this variant in disease. Therefore, it has been classified as a Variant of Uncertain Significance. This variant has not been reported in the literature in individuals affected with ALPK3-related conditions. This variant is not present in population databases (gnomAD no frequency). This sequence change replaces arginine, which is basic and polar, with proline, which is neutral and non-polar, at codon 40 of the ALPK3 protein (p.Arg40Pro).

NC_000015.10:g.84816965G>C

Gene: ALPK3 (alpha kinase 3; plus strand). Cytogenetic location: 15q25.3.
Variant type: single nucleotide variant.
Genome position: GRCh38 VCF-style: chr15-84816965-G-C. GRCh37 (hg19) VCF-style: chr15-85360196-G-C.
Identifiers: ClinVar variation 2755607 (VCV002755607.3), dbSNP rs1471878056, ClinGen allele CA393368193.